The following is an entry in ClinVar:

ClinVar aggregate classification (germline): Pathogenic. Review status: criteria provided, single submitter (1 of 4 stars). 2 submissions from 1 submitter: Pathogenic (2). Last evaluated 2023-05-10.

Conditions:
Neurodevelopmental disorder with seizures, microcephaly, and brain abnormalities (NEDSMBA). Identifiers: MedGen C5774209, MONDO:0859283, OMIM 620024.
Microcephaly. Also called: Microcephaly (disease). Identifiers: MedGen C4551563, MONDO:0001149, HP:0000252.
Severe intellectual disability. Identifiers: MedGen C0036857, HP:0010864.
Cerebral calcification. Also called: Cerebral calcifications. Identifiers: MedGen C0270685, HP:0002514.
Seizure. Also called: Seizures. Identifiers: MedGen C0036572, HP:0001250.

Submissions (2):

Institute of Human Genetics, University of Leipzig Medical Center
Classification: Pathogenic for Neurodevelopmental disorder with seizures, microcephaly, and brain abnormalities. Last evaluated: 2023-05-10. Review status: criteria provided, single submitter. Criteria: ACMG Guidelines, 2015. Collection method: clinical testing. Allele origin: inherited. Inheritance: Autosomal recessive inheritance. Affected: yes.
Comment: Criteria applied: PVS1,PM2_SUP,PM3_SUP

Institute of Human Genetics, University of Leipzig Medical Center
Classification: Pathogenic for Severe intellectual disability; Seizure; Microcephaly; Cerebral calcification. Last evaluated: 2022-04-14. Review status: criteria provided, single submitter. Criteria: ACMG Guidelines, 2015. Collection method: research. Allele origin: germline. Affected: yes.
Comment: The variant was identified as homozygous. Criteria applied: PVS1, PM2_Supporting, PM3_Supporting

Literature cited by the submitters: DOI doi.org/10.1101/2022.04.04.22273309.

NM_003622.4(PPFIBP1):c.1146+1G>A

Gene: PPFIBP1 (PPFIB scaffold protein 1; plus strand). Cytogenetic location: 12p11.22.
Variant type: single nucleotide variant.
Coding change: c.1146+1G>A on transcript NM_003622.4 (MANE Select); the canonical splice donor site of the intron after coding-DNA position 1146, G replaced by A.
Molecular consequence: splice donor variant.
Genome position (GRCh38, 1-based): chr12:27,667,321, G>A. VCF-style: chr12-27667321-G-A. GRCh37 (hg19) VCF-style: chr12-27820254-G-A.
Other names: c.1197+1G>A (NM_177444.3); c.1104+1G>A (NM_001198916.2); c.738+1G>A (NM_001198915.2).
Identifiers: ClinVar variation 1679175 (VCV001679175.3), dbSNP rs2059916812, ClinGen allele CA384195369.